The following is an entry in ClinVar:

ClinVar aggregate classification (germline): Uncertain significance (1 of 4 stars; one submission).

Conditions:
Hereditary cancer-predisposing syndrome. Also called: Tumor predisposition; Hereditary Cancer Syndrome; Hereditary neoplastic syndrome; Neoplastic Syndromes, Hereditary. Identifiers: Orphanet 140162, MedGen C0027672, MeSH D009386, MONDO:0015356.

Submission:

Ambry Genetics
Classification: Uncertain significance for Hereditary cancer-predisposing syndrome. Last evaluated: 2023-11-30. Review status: criteria provided, single submitter. Criteria: Ambry Variant Classification Scheme 2023. Collection method: clinical testing. Allele origin: germline.
Comment: The c.115_117delGCG variant (also known as p.A39del) is located in coding exon 1 of the CDKN2A (p14ARF) gene. This variant results from an in-frame GCG deletion at nucleotide positions 115 to 117. This results in the in-frame deletion of an alanine at codon 39. This amino acid position is poorly conserved in available vertebrate species. In addition, this alteration is predicted to be deleterious by in silico analysis (Choi Y et al. PLoS ONE. 2012; 7(10):e46688). Since supporting evidence is limited at this time, the clinical significance of this alteration remains unclear.

NM_058195.4(CDKN2A):c.115_117del (p.Ala39del)

Gene: CDKN2A (cyclin dependent kinase inhibitor 2A; minus strand). Cytogenetic location: 9p21.3.
Variant type: Deletion.
Coding change: c.115_117del on transcript NM_058195.4 (MANE Plus Clinical); coding-DNA positions 115 to 117, 3 bases deleted (GCG; older notation c.115_117delGCG).
Protein change: p.Ala39del; deletes alanine 39.
Molecular consequence: inframe deletion. On other transcripts: inframe indel (1), intron variant (1).
Genome position (GRCh38, 1-based): chr9:21,994,215-21,994,217, CGC deleted on the plus strand (GCG on the coding strand, the reverse complement: CDKN2A is on the minus strand); deleting any 3 consecutive bases within chr9:21,994,215-21,994,218 gives the same sequence; the c. name uses the placement nearest the transcript's 3' end. VCF-style (leftmost placement, unchanged base first): chr9-21994214-GCGC-G. GRCh37 (hg19) VCF-style: chr9-21994213-GCGC-G.
Other names: c.115_117delGCG (NM_058195.3); c.-4+604_-4+606del (NM_001363763.2); short protein forms A39del.
Identifiers: ClinVar variation 3228932 (VCV003228932.1), dbSNP rs2489327338, ClinGen allele CA2825001624.